The following is an entry in ClinVar:

ClinVar aggregate classification (germline): Uncertain significance (1 of 4 stars; one submission).

Allele frequency attached by ClinVar (database versions not stated): TOPMed 0.00001.
gnomAD v4.1: 13 of 1,607,796 alleles (0.00081%); 1 homozygote.

Submission:

Labcorp Genetics (formerly Invitae), Labcorp
Classification: Uncertain significance. Last evaluated: 2025-01-25. Review status: criteria provided, single submitter. Criteria: Invitae Variant Classification Sherloc (09022015). Collection method: clinical testing. Allele origin: germline.
Comment: This sequence change replaces serine, which is neutral and polar, with threonine, which is neutral and polar, at codon 816 of the PACS2 protein (p.Ser816Thr). This variant is not present in population databases (gnomAD no frequency). This variant has not been reported in the literature in individuals affected with PACS2-related conditions. ClinVar contains an entry for this variant (Variation ID: 3016673). Invitae Evidence Modeling of protein sequence and biophysical properties (such as structural, functional, and spatial information, amino acid conservation, physicochemical variation, residue mobility, and thermodynamic stability) indicates that this missense variant is not expected to disrupt PACS2 protein function with a negative predictive value of 80%. In summary, the available evidence is currently insufficient to determine the role of this variant in disease. Therefore, it has been classified as a Variant of Uncertain Significance.

NM_001100913.3(PACS2):c.2446T>A (p.Ser816Thr)

Gene: PACS2 (phosphofurin acidic cluster sorting protein 2; plus strand). Cytogenetic location: 14q32.33.
Variant type: single nucleotide variant.
Coding change: c.2446T>A on transcript NM_001100913.3 (MANE Select); coding-DNA position 2446, T replaced by A.
Protein change: p.Ser816Thr; replaces serine 816 with threonine.
Molecular consequence: missense variant.
Genome position (GRCh38, 1-based): chr14:105,392,809, T>A. VCF-style: chr14-105392809-T-A. GRCh37 (hg19) VCF-style: chr14-105859146-T-A.
Other names: c.2176T>A, p.Ser726Thr (NM_001243127.3); c.2401T>A, p.Ser801Thr (NM_015197.4); short protein forms S801T, S816T, S726T.
Identifiers: ClinVar variation 3016673 (VCV003016673.3), dbSNP rs1555415315, ClinGen allele CA391188735.